The following is an entry in ClinVar:

NC_000020.10:g.(?_44746983)_(44757679_?)del

Gene: CD40 (CD40 molecule; plus strand). Cytogenetic location: 20q13.12.
Variant type: Deletion.
Identifiers: ClinVar variation 2424026 (VCV002424026.4).

ClinVar aggregate classification (germline): Pathogenic (1 of 4 stars; one submission).

Submission:

Labcorp Genetics (formerly Invitae), Labcorp
Classification: Pathogenic. Last evaluated: 2024-01-12. Review status: criteria provided, single submitter. Criteria: Invitae Variant Classification Sherloc (09022015). Collection method: clinical testing. Allele origin: germline.
Comment: A gross deletion of the genomic region encompassing the full coding sequence of the CD40 gene has been identified. Loss-of-function variants in CD40 are known to be pathogenic (PMID: 20702779, 24122029, 35729272). The boundaries of this event are unknown as they extend beyond the assayed region for this gene and therefore may encompass additional genes. This variant has not been reported in the literature in individuals affected with CD40-related conditions. For these reasons, this variant has been classified as Pathogenic.

Literature cited by the submitters: PubMed 20702779; PubMed 24122029; PubMed 35729272.